The following is an entry in ClinVar:

ClinVar aggregate classification (germline): Uncertain significance (1 of 4 stars; one submission).

Allele frequency attached by ClinVar (database versions not stated): gnomAD exomes below 0.00001; gnomAD 0.00001; TOPMed 0.00001.
gnomAD v4.1: 5 of 1,613,918 alleles (0.00031%); highest among the groups gnomAD compares: Admixed American, 0.0033%; no homozygotes.

Submission:

Labcorp Genetics (formerly Invitae), Labcorp
Classification: Uncertain significance. Last evaluated: 2017-10-05. Review status: criteria provided, single submitter. Criteria: Invitae Variant Classification Sherloc (09022015). Collection method: clinical testing. Allele origin: germline.
Comment: Algorithms developed to predict the effect of missense changes on protein structure and function output the following: SIFT: "Tolerated"; PolyPhen-2: "Benign"; Align-GVGD: "Class C0". The arginine amino acid residue is found in multiple mammalian species, suggesting that this missense change does not adversely affect protein function. These predictions have not been confirmed by published functional studies and their clinical significance is uncertain. This variant has not been reported in the literature in individuals with GP6-related disease. This variant is not present in population databases (ExAC no frequency). This sequence change replaces tryptophan with arginine at codon 449 of the GP6 protein (p.Trp449Arg). The tryptophan residue is weakly conserved and there is a moderate physicochemical difference between tryptophan and arginine. In summary, the available evidence is currently insufficient to determine the role of this variant in disease. Therefore, it has been classified as a Variant of Uncertain Significance.

NM_016363.5(GP6):c.*321T>C

Gene: GP6 (glycoprotein VI platelet; minus strand). Cytogenetic location: 19q13.42.
Variant type: single nucleotide variant.
Coding change: c.*321T>C on transcript NM_016363.5 (MANE Select); 321 bases downstream of the stop codon, T replaced by C.
Molecular consequence: 3 prime UTR variant. On other transcripts: missense variant (1).
Genome position (GRCh38, 1-based): chr19:55,014,600, A>G on the plus strand (T>C on the coding strand, the complement: GP6 is on the minus strand). VCF-style: chr19-55014600-A-G. GRCh37 (hg19) VCF-style: chr19-55525968-A-G.
Other names: c.1345T>C, p.Trp449Arg (NM_001083899.2); c.*321T>C (NM_001256017.2); short protein forms W449R.
Identifiers: ClinVar variation 1064129 (VCV001064129.9), dbSNP rs1016879725, ClinGen allele CA310121329.